The following is an entry in ClinVar:

ClinVar aggregate classification (germline): Uncertain significance. Review status: criteria provided, single submitter (1 of 4 stars). 2 submissions from 2 submitters: Uncertain significance (1). 1 of the submissions does not count toward it. Last evaluated 2024-03-28.

Allele frequency attached by ClinVar (database versions not stated): gnomAD exomes below 0.00001 and 0.00001; ExAC 0.00001; TOPMed 0.00002; gnomAD 0.00004.
gnomAD v4.1: 9 of 1,613,800 alleles (0.00056%); highest among the groups gnomAD compares: African/African-American, 0.011%; no homozygotes.

Submissions (2):

Labcorp Genetics (formerly Invitae), Labcorp
Classification: Uncertain significance. Last evaluated: 2024-03-28. Review status: criteria provided, single submitter. Criteria: Invitae Variant Classification Sherloc (09022015). Collection method: clinical testing. Allele origin: germline.
Comment: This sequence change replaces threonine, which is neutral and polar, with isoleucine, which is neutral and non-polar, at codon 245 of the FOXP1 protein (p.Thr245Ile). This variant is present in population databases (rs766906735, gnomAD 0.005%). This variant has not been reported in the literature in individuals affected with FOXP1-related conditions. ClinVar contains an entry for this variant (Variation ID: 977435). Advanced modeling of protein sequence and biophysical properties (such as structural, functional, and spatial information, amino acid conservation, physicochemical variation, residue mobility, and thermodynamic stability) performed at Invitae indicates that this missense variant is not expected to disrupt FOXP1 protein function with a negative predictive value of 95%. In summary, the available evidence is currently insufficient to determine the role of this variant in disease. Therefore, it has been classified as a Variant of Uncertain Significance.

New York Genome Center
Classification: Uncertain significance. Last evaluated: 2019-11-21. Review status: no assertion criteria provided. Collection method: clinical testing. Allele origin: germline. Affected: yes. Observed: 1 heterozygote. Not counted in ClinVar's aggregate classification.
Comment: The c.734C>T (p.Thr245Ile) variant substitutes a well conserved Threonine for Isoleucine at amino acid 245/678 (coding exon 11/21) in the canonical transcript. This variant is found with low frequency in gnomAD (2 heterozygotes, 0 homozygotes; allele frequency: 7.08e-6), suggesting it is not a common benign variant in the populations represented in this database. In silico algorithms predict this variant to be Neutral (Provean; score: -0.69) and Tolerated (SIFT; score: 0.323) to the function of the canonical transcript.To our current knowledge this variant has not been described in affected individuals in the literature. The p.Thr245 residue is in a linker domain between the Q-rich and Zinc Finger domains of the protein, and although to date there are no missense pathogenic variants in this linker region, other pathogenic missense variants have been described outside of mapped domains of FOXP1[PMID:29090079].

NM_001349338.3(FOXP1):c.734C>T (p.Thr245Ile)

Gene: FOXP1 (forkhead box P1; minus strand). Cytogenetic location: 3p13.
Variant type: single nucleotide variant.
Coding change: c.734C>T on transcript NM_001349338.3 (MANE Select); coding-DNA position 734, C replaced by T.
Protein change: p.Thr245Ile; replaces threonine 245 with isoleucine.
Molecular consequence: missense variant. On other transcripts: non-coding transcript variant (2).
Genome position (GRCh38, 1-based): chr3:71,041,463, G>A on the plus strand (C>T on the coding strand, the complement: FOXP1 is on the minus strand). VCF-style: chr3-71041463-G-A. GRCh37 (hg19) VCF-style: chr3-71090614-G-A.
Other names: c.734C>T, p.Thr245Ile (NM_001244808.3, NM_001244810.2, NM_001244814.3 and 3 more transcripts); c.506C>T, p.Thr169Ile (NM_001244812.3); c.434C>T, p.Thr145Ile (NM_001244813.3, NM_001244815.2, NM_001349342.3 and 1 more transcripts); c.431C>T, p.Thr144Ile (NM_001349337.2, NM_001349343.3, NM_001349344.3); c.731C>T, p.Thr244Ile (NM_001349341.3); short protein forms T144I, T145I, T169I, T244I, T245I.
Identifiers: ClinVar variation 977435 (VCV000977435.4), dbSNP rs766906735, ClinGen allele CA2491187.